The following is an entry in ClinVar:

NM_024741.3(ZNF408):c.332A>G (p.Asn111Ser)

Gene: ZNF408 (zinc finger protein 408; plus strand). Cytogenetic location: 11p11.2.
Variant type: single nucleotide variant.
Coding change: c.332A>G on transcript NM_024741.3 (MANE Select); coding-DNA position 332, A replaced by G.
Protein change: p.Asn111Ser; replaces asparagine 111 with serine.
Molecular consequence: missense variant.
Genome position (GRCh38, 1-based): chr11:46,702,705, A>G. VCF-style: chr11-46702705-A-G. GRCh37 (hg19) VCF-style: chr11-46724255-A-G.
Other names: c.308A>G, p.Asn103Ser (NM_001184751.2); short protein forms N103S, N111S.
Identifiers: ClinVar variation 2776224 (VCV002776224.3), dbSNP rs2502787946, ClinGen allele CA380252017.

ClinVar aggregate classification (germline): Uncertain significance (1 of 4 stars; one submission).

Submission:

Labcorp Genetics (formerly Invitae), Labcorp
Classification: Uncertain significance. Last evaluated: 2023-08-10. Review status: criteria provided, single submitter. Criteria: Invitae Variant Classification Sherloc (09022015). Collection method: clinical testing. Allele origin: germline.
Comment: This sequence change replaces asparagine, which is neutral and polar, with serine, which is neutral and polar, at codon 111 of the ZNF408 protein (p.Asn111Ser). This variant is not present in population databases (gnomAD no frequency). This variant has not been reported in the literature in individuals affected with ZNF408-related conditions. An algorithm developed to predict the effect of missense changes on protein structure and function (PolyPhen-2) suggests that this variant is likely to be tolerated. In summary, the available evidence is currently insufficient to determine the role of this variant in disease. Therefore, it has been classified as a Variant of Uncertain Significance.